The following is an entry in ClinVar:

ClinVar aggregate classification (germline): Likely benign. Review status: criteria provided, single submitter (1 of 4 stars). 2 submissions from 2 submitters: Likely benign (1). 1 of the submissions does not count toward it. Last evaluated 2025-10-14.

Conditions:
Hajdu-Cheney syndrome (HJCYS). Also called: SERPENTINE FIBULA-POLYCYSTIC KIDNEY SYNDROME; ACROOSTEOLYSIS WITH OSTEOPOROSIS AND CHANGES IN SKULL AND MANDIBLE; Acroosteolysis dominant type. Identifiers: Orphanet 955, MedGen C0917715, MONDO:0007057, OMIM 102500.
NOTCH2-related disorder. Also called: NOTCH2-related condition.

Allele frequency attached by ClinVar (database versions not stated): gnomAD exomes 0.00001; ExAC 0.00002; gnomAD 0.00004; TOPMed 0.00005; ESP Exome Variant Server 0.00008.
gnomAD v4.1: 15 of 1,569,550 alleles (0.00096%); highest among the groups gnomAD compares: African/African-American, 0.019%; no homozygotes.

Submissions (2):

Labcorp Genetics (formerly Invitae), Labcorp
Classification: Likely benign for Hajdu-Cheney syndrome. Last evaluated: 2025-10-14. Review status: criteria provided, single submitter. Criteria: Invitae Variant Classification Sherloc (09022015). Collection method: clinical testing. Allele origin: germline.

PreventionGenetics, part of Exact Sciences
Classification: Likely benign for NOTCH2-related condition. Last evaluated: 2023-12-26. Review status: no assertion criteria provided. Collection method: clinical testing. Allele origin: germline. Not counted in ClinVar's aggregate classification.
Comment: This variant is classified as likely benign based on ACMG/AMP sequence variant interpretation guidelines (Richards et al. 2015 PMID: 25741868, with internal and published modifications).

NM_024408.4(NOTCH2):c.1923T>C (p.Asn641=)

Gene: NOTCH2 (notch receptor 2; minus strand). Cytogenetic location: 1p12.
Variant type: single nucleotide variant.
Coding change: c.1923T>C on transcript NM_024408.4 (MANE Select); coding-DNA position 1923, T replaced by C.
Protein change: p.Asn641=; no amino-acid change (asparagine 641 retained).
Molecular consequence: synonymous variant.
Genome position (GRCh38, 1-based): chr1:119,959,495, A>G on the plus strand (T>C on the coding strand, the complement: NOTCH2 is on the minus strand). VCF-style: chr1-119959495-A-G. GRCh37 (hg19) VCF-style: chr1-120502118-A-G.
Other names: c.1923T>C, p.Asn641= (NM_001200001.2); c.1923T>C (NM_024408.3).
Identifiers: ClinVar variation 2070556 (VCV002070556.6), dbSNP rs142022032, ClinGen allele CA1040419.